The following is an entry in ClinVar:

NM_019066.5(MAGEL2):c.1305_1367del (p.Leu436_Pro456del)

Gene: MAGEL2 (MAGE family member L2; minus strand). Cytogenetic location: 15q11.2.
Variant type: Deletion.
Coding change: c.1305_1367del on transcript NM_019066.5 (MANE Select); coding-DNA positions 1305 to 1367, 63 bases deleted.
Protein change: p.Leu436_Pro456del.
Genome position (GRCh38, 1-based): chr15:23,646,376-23,646,438, 63 bases deleted. GRCh37 (hg19): chr15:23,891,534-23,891,596.
Identifiers: ClinVar variation 3722076 (VCV003722076.2).

ClinVar aggregate classification (germline): Uncertain significance (1 of 4 stars; one submission).

Submission:

Labcorp Genetics (formerly Invitae), Labcorp
Classification: Uncertain significance. Last evaluated: 2024-10-18. Review status: criteria provided, single submitter. Criteria: Invitae Variant Classification Sherloc (09022015). Collection method: clinical testing. Allele origin: germline.
Comment: This variant, c.1305_1367del, results in the deletion of 21 amino acid(s) of the MAGEL2 protein (p.Leu436_Pro456del), but otherwise preserves the integrity of the reading frame. This variant is not present in population databases (gnomAD no frequency). This variant has not been reported in the literature in individuals affected with MAGEL2-related conditions. Experimental studies and prediction algorithms are not available or were not evaluated, and the functional significance of this variant is currently unknown. In summary, the available evidence is currently insufficient to determine the role of this variant in disease. Therefore, it has been classified as a Variant of Uncertain Significance.